The following is an entry in ClinVar:

ClinVar aggregate classification (germline): Conflicting classifications of pathogenicity. Review status: criteria provided, conflicting classifications (1 of 4 stars). 6 submissions from 6 submitters: Uncertain significance (4); Likely benign (2). Last evaluated 2025-12-30.

Conditions:
TTN-related disorder. Also called: TTN-related condition; TTN-related disease; TTN-related disorders.

Allele frequency attached by ClinVar (database versions not stated): gnomAD 0.00002; ExAC 0.00009.
gnomAD v4.1: 50 of 1,489,246 alleles (0.0034%); highest among the groups gnomAD compares: Non-Finnish European, 0.0043%; no homozygotes.

Submissions (6):

PreventionGenetics, part of Exact Sciences
Classification: Uncertain significance for TTN-related condition. Last evaluated: 2025-12-30. Review status: criteria provided, single submitter. Criteria: ACMG Guidelines, 2015. Collection method: clinical testing. Allele origin: germline.
Comment: The TTN c.35365C>A variant is predicted to result in the amino acid substitution p.Pro11789Thr. To our knowledge, this variant has not been reported in the literature. This variant is reported in 0.0099% of alleles in individuals of European (Non-Finnish) descent in gnomAD. At this time, the clinical significance of this variant is uncertain due to the absence of conclusive functional and genetic evidence.

Molecular Diagnostic Laboratory for Inherited Cardiovascular Disease, Montreal Heart Institute
Classification: Likely benign. Last evaluated: 2025-04-09. Review status: criteria provided, single submitter. Criteria: ACMG Guidelines, 2015. Collection method: clinical testing. Allele origin: germline. Affected: no.

Blueprint Genetics
Classification: Likely benign. Last evaluated: 2024-10-18. Review status: criteria provided, single submitter. Criteria: ACMG Guidelines, 2015. Collection method: clinical testing. Allele origin: germline.

Women's Health and Genetics/Laboratory Corporation of America, LabCorp
Classification: Uncertain significance. Last evaluated: 2024-06-10. Review status: criteria provided, single submitter. Criteria: LabCorp Variant Classification Summary - May 2015. Collection method: clinical testing. Allele origin: germline.
Comment: Variant summary: TTN c.31462C>A (p.Pro10488Thr) results in a non-conservative amino acid change located in the I-band domain of the encoded protein sequence. Two of three in-silico tools predict a damaging effect of the variant on protein function. The variant allele was found at a frequency of 4.6e-05 in 173472 control chromosomes. The available data on variant occurrences in the general population are insufficient to allow any conclusion about variant significance. To our knowledge, no occurrence of c.31462C>A in individuals affected with Dilated Cardiomyopathy and no experimental evidence demonstrating its impact on protein function have been reported. ClinVar contains an entry for this variant (Variation ID: 2438127). Based on the evidence outlined above, the variant was classified as uncertain significance.

CeGaT Center for Human Genetics Tuebingen
Classification: Uncertain significance. Last evaluated: 2024-02-01. Review status: criteria provided, single submitter. Criteria: CeGaT Center For Human Genetics Tuebingen Variant Classification Criteria Version 2. Collection method: clinical testing. Allele origin: germline. Affected: yes. Observed: 1 variant allele.
Comment: TTN: PM2, BP4

Revvity Omics, Revvity
Classification: Uncertain significance. Last evaluated: 2019-03-28. Review status: criteria provided, single submitter. Criteria: ACMG Guidelines, 2015. Collection method: clinical testing. Allele origin: germline.

NM_001267550.2(TTN):c.35365C>A (p.Pro11789Thr)

Gene: TTN (titin; minus strand). Cytogenetic location: 2q31.2.
Variant type: single nucleotide variant.
Coding change: c.35365C>A on transcript NM_001267550.2 (MANE Select); coding-DNA position 35365, C replaced by A.
Protein change: p.Pro11789Thr; replaces proline 11789 with threonine.
Molecular consequence: missense variant. On other transcripts: intron variant (3).
Genome position (GRCh38, 1-based): chr2:178,670,239, G>T on the plus strand (C>A on the coding strand, the complement: TTN is on the minus strand). VCF-style: chr2-178670239-G-T. GRCh37 (hg19) VCF-style: chr2-179534966-G-T.
Other names: c.34243C>A, p.Pro11415Thr (NM_001256850.1); c.31462C>A, p.Pro10488Thr (NM_133378.4); c.13283-27922C>A (NM_003319.4); c.13859-27922C>A (NM_133437.4); c.13658-27922C>A (NM_133432.3); short protein forms P10488T, P11415T, P11789T.
Identifiers: ClinVar variation 2438127 (VCV002438127.29), dbSNP rs752662529, ClinGen allele CA1997844.
Genomic context (GRCh38, chr2:178,670,239, plus strand): 5'-AGGATTTTATATTAATGATGAATGAGAAAAGCCAGTTACCTTTAGTTGGTGGAACTCTGG[G>T]CTCTTCAGGAACACGTACTTTTTCTTCTACCACAATTTTCTTAGGCACCTCCGGTACTTT-3'
Protein context (NP_001254479.2, residues 11779-11799): VEEKVRVPEE[Pro11789Thr]RVPPTKAPEV